The following is an entry in ClinVar:

NM_004104.5(FASN):c.4618G>A (p.Asp1540Asn)

Gene: FASN (fatty acid synthase; minus strand). Cytogenetic location: 17q25.3.
Variant type: single nucleotide variant.
Coding change: c.4618G>A on transcript NM_004104.5 (MANE Select); coding-DNA position 4618, G replaced by A.
Protein change: p.Asp1540Asn; replaces aspartic acid 1540 with asparagine.
Molecular consequence: missense variant.
Genome position (GRCh38, 1-based): chr17:82,084,663, C>T on the plus strand (G>A on the coding strand, the complement: FASN is on the minus strand). VCF-style: chr17-82084663-C-T. GRCh37 (hg19) VCF-style: chr17-80042539-C-T.
Other names: short protein forms D1540N.
Identifiers: ClinVar variation 1051363 (VCV001051363.9), dbSNP rs754488328, ClinGen allele CA295129332.

ClinVar aggregate classification (germline): Uncertain significance (1 of 4 stars; one submission).

Conditions:
Epileptic encephalopathy. Identifiers: MedGen C0543888, HP:0200134.

Allele frequency attached by ClinVar (database versions not stated): gnomAD 0.00001 and 0.00002; gnomAD exomes 0.00001; TOPMed 0.00001.
gnomAD v4.1: 43 of 1,588,380 alleles (0.0027%); highest among the groups gnomAD compares: Non-Finnish European, 0.0031%; no homozygotes.

Submission:

Labcorp Genetics (formerly Invitae), Labcorp
Classification: Uncertain significance for Epileptic encephalopathy. Last evaluated: 2020-09-16. Review status: criteria provided, single submitter. Criteria: Invitae Variant Classification Sherloc (09022015). Collection method: clinical testing. Allele origin: germline.
Comment: This variant has not been reported in the literature in individuals with FASN-related conditions. This sequence change replaces aspartic acid with asparagine at codon 1540 of the FASN protein (p.Asp1540Asn). The aspartic acid residue is highly conserved and there is a small physicochemical difference between aspartic acid and asparagine. This variant is not present in population databases (ExAC no frequency). Algorithms developed to predict the effect of missense changes on protein structure and function are either unavailable or do not agree on the potential impact of this missense change (SIFT: "Deleterious"; PolyPhen-2: "Probably Damaging"; Align-GVGD: "Class C15"). In summary, the available evidence is currently insufficient to determine the role of this variant in disease. Therefore, it has been classified as a Variant of Uncertain Significance.